The following is an entry in ClinVar:

ClinVar aggregate classification (germline): Uncertain significance (1 of 4 stars; one submission).

Conditions:
ARID1A-related disorder. Also called: ARID1A-related condition.

Allele frequency attached by ClinVar (database versions not stated): gnomAD exomes below 0.00001; TOPMed below 0.00001; gnomAD 0.00001.
gnomAD v4.1: 5 of 1,614,122 alleles (0.00031%); highest among the groups gnomAD compares: Non-Finnish European, 0.00042%; no homozygotes.

Submission:

PreventionGenetics, part of Exact Sciences
Classification: Uncertain significance for ARID1A-related condition. Last evaluated: 2022-09-27. Review status: criteria provided, single submitter. Criteria: ACMG Guidelines, 2015. Collection method: clinical testing. Allele origin: germline.
Comment: The ARID1A c.1163G>A variant is predicted to result in the amino acid substitution p.Gly388Asp. To our knowledge, this variant has not been reported in the literature. This variant is reported in 0.00088% of alleles in individuals of European (Non-Finnish) descent in gnomAD. At this time, the clinical significance of this variant is uncertain due to the absence of conclusive functional and genetic evidence.

NM_006015.6(ARID1A):c.1163G>A (p.Gly388Asp)

Gene: ARID1A (AT-rich interaction domain 1A; plus strand). Cytogenetic location: 1p36.11.
Variant type: single nucleotide variant.
Coding change: c.1163G>A on transcript NM_006015.6 (MANE Select); coding-DNA position 1163, G replaced by A.
Protein change: p.Gly388Asp; replaces glycine 388 with aspartic acid.
Molecular consequence: missense variant.
Genome position (GRCh38, 1-based): chr1:26,729,676, G>A. VCF-style: chr1-26729676-G-A. GRCh37 (hg19) VCF-style: chr1-27056167-G-A.
Other names: c.1163G>A, p.Gly388Asp (NM_139135.4); short protein forms G388D.
Identifiers: ClinVar variation 2637029 (VCV002637029.1), dbSNP rs1231021260, ClinGen allele CA339267452.